The following is an entry in ClinVar:

ClinVar aggregate classification (germline): Likely benign. Review status: reviewed by expert panel (3 of 4 stars). 4 submissions from 4 submitters: Likely benign (1). 3 of the submissions do not count toward it. Last evaluated 2017-06-29.

Conditions:
Hereditary breast ovarian cancer syndrome. Also called: Hereditary breast and ovarian cancer syndrome (HBOC); BRCA1- and BRCA2-Associated Hereditary Breast and Ovarian Cancer; Hereditary breast and/or ovarian cancer syndrome; Hereditary breast and ovarian cancer syndrome; Hereditary breast and ovarian cancer; Breast and ovarian cancer. Identifiers: Orphanet 145, MedGen C0677776, MeSH D061325, MONDO:0003582. Disease mechanism: loss of function.
Hereditary cancer-predisposing syndrome. Also called: Neoplastic Syndromes, Hereditary; Hereditary neoplastic syndrome; Tumor predisposition; Hereditary Cancer Syndrome. Identifiers: Orphanet 140162, MedGen C0027672, MeSH D009386, MONDO:0015356.
Breast-ovarian cancer, familial, susceptibility to, 1 (BROVCA1). Also called: BRCA1 Hereditary Breast and Ovarian Cancer; OVARIAN CANCER, SUSCEPTIBILITY TO. Identifiers: Orphanet 145, MedGen C2676676, MONDO:0011450, OMIM 604370. Disease mechanism: loss of function.

Allele frequency attached by ClinVar (database versions not stated): gnomAD exomes 0.00001 and 0.00004; ExAC 0.00006.
gnomAD v4.1: 18 of 1,613,876 alleles (0.0011%); highest among the groups gnomAD compares: South Asian, 0.02%; no homozygotes.

Submissions (5):

Evidence-based Network for the Interpretation of Germline Mutant Alleles (ENIGMA)
Classification: Likely benign for Breast-ovarian cancer, familial, susceptibility to, 1. Last evaluated: 2017-06-29. Review status: reviewed by expert panel. Criteria: ENIGMA BRCA1/2 Classification Criteria (2017-06-29). Collection method: curation. Allele origin: germline.
Comment: Synonymous substitution variant, with low bioinformatic likelihood to result in a splicing aberration (Splicing prior probability 0.02).

Women's Health and Genetics/Laboratory Corporation of America, LabCorp
Classification: Likely benign. Last evaluated: 2023-12-20. Review status: criteria provided, single submitter. Criteria: LabCorp Variant Classification Summary - May 2015. Collection method: clinical testing. Allele origin: germline. Not counted in ClinVar's aggregate classification.

Labcorp Genetics (formerly Invitae), Labcorp
Classification: Likely benign for Hereditary breast ovarian cancer syndrome. Last evaluated: 2023-02-11. Review status: criteria provided, single submitter. Criteria: Invitae Variant Classification Sherloc (09022015). Collection method: clinical testing. Allele origin: germline. Not counted in ClinVar's aggregate classification.

Ambry Genetics
Classification: Likely benign for Hereditary cancer-predisposing syndrome. Last evaluated: 2018-04-18. Review status: criteria provided, single submitter. Criteria: Ambry Variant Classification Scheme 2023. Collection method: clinical testing. Allele origin: germline. Not counted in ClinVar's aggregate classification.

Brotman Baty Institute, University of Washington
No classification provided (evidence only). Condition: Breast-ovarian cancer, familial 1. Review status: no classification provided. Collection method: in vitro. Allele origin: not applicable. Functional consequence: functionally_normal. Not counted in ClinVar's aggregate classification.
ClinVar note: "not provided" was previously submitted as the classification for the variant. However, the classification appeared to be based only on an observation of functional data so it was converted to no classification on 2025-07-30.

NM_007294.4(BRCA1):c.5352A>G (p.Val1784=)

Gene: BRCA1 (BRCA1 DNA repair associated; minus strand). Cytogenetic location: 17q21.31.
Variant type: single nucleotide variant.
Coding change: c.5352A>G on transcript NM_007294.4 (MANE Select); coding-DNA position 5352, A replaced by G.
Protein change: p.Val1784=; no amino-acid change (valine 1784 retained).
Molecular consequence: synonymous variant. On other transcripts: intron variant (19).
Genome position (GRCh38, 1-based): chr17:43,049,175, T>C on the plus strand (A>G on the coding strand, the complement: BRCA1 is on the minus strand). VCF-style: chr17-43049175-T-C. GRCh37 (hg19) VCF-style: chr17-41201192-T-C.
Other names: c.5139A>G, p.Val1713= (NM_001407571.1, NM_001407894.1, NM_001407895.1 and 12 more transcripts); c.5418A>G, p.Val1806= (NM_001407581.1, NM_001407582.1); c.5415A>G, p.Val1805= (NM_001407583.1, NM_001407585.1, NM_001407587.1 and 1 more transcripts); c.5412A>G, p.Val1804= (NM_001407590.1, NM_001407591.1); c.5352A>G, p.Val1784= (NM_001407593.1, NM_001407594.1, NM_001407596.1 and 5 more transcripts); c.5349A>G, p.Val1783= (NM_001407610.1, NM_001407611.1, NM_001407612.1 and 14 more transcripts); c.5346A>G, p.Val1782= (NM_001407627.1, NM_001407628.1, NM_001407629.1 and 13 more transcripts); c.5343A>G, p.Val1781= (NM_001407644.1, NM_001407645.1); and 84 more.
Identifiers: ClinVar variation 427333 (VCV000427333.22), dbSNP rs767459025, ClinGen allele CA054693.